The following is an entry in ClinVar:

ClinVar aggregate classification (germline): Pathogenic (1 of 4 stars; one submission).

Conditions:
Spastic paraplegia. Identifiers: MedGen C0037772, HP:0001258.

Submission:

Labcorp Genetics (formerly Invitae), Labcorp
Classification: Pathogenic for Spastic paraplegia. Last evaluated: 2024-11-15. Review status: criteria provided, single submitter. Criteria: Invitae Variant Classification Sherloc (09022015). Collection method: clinical testing. Allele origin: germline.
Comment: This sequence change creates a premature translational stop signal (p.Ser390Leufs*48) in the B4GALNT1 gene. It is expected to result in an absent or disrupted protein product. Loss-of-function variants in B4GALNT1 are known to be pathogenic (PMID: 23746551). This variant is not present in population databases (gnomAD no frequency). This variant has not been reported in the literature in individuals affected with B4GALNT1-related conditions. For these reasons, this variant has been classified as Pathogenic.

Literature cited by the submitters: PubMed 23746551.

NM_001478.5(B4GALNT1):c.1167dup (p.Ser390fs)

Gene: B4GALNT1 (beta-1,4-N-acetyl-galactosaminyltransferase 1; minus strand). Cytogenetic location: 12q13.3.
Variant type: Duplication.
Coding change: c.1167dup on transcript NM_001478.5 (MANE Select); coding-DNA position 1167, one base duplicated (C; older notation c.1167dupC).
Protein change: p.Ser390fs; shifts the reading frame from serine 390.
Molecular consequence: frameshift variant.
Genome position (GRCh38, 1-based): chr12:57,627,835, G duplicated on the plus strand (C on the coding strand, the reverse complement: B4GALNT1 is on the minus strand). VCF-style (leftmost placement, unchanged base first): chr12-57627834-A-AG. GRCh37 (hg19) VCF-style: chr12-58021617-A-AG.
Other names: c.1002dup, p.Ser335fs (NM_001276468.2, NM_001413978.1); c.1335dup, p.Ser446fs (NM_001413967.1); c.1302dup, p.Ser435fs (NM_001413968.1, NM_001413969.1); c.1200dup, p.Ser401fs (NM_001413970.1, NM_001413971.1, NM_001413972.1); c.1167dup, p.Ser390fs (NM_001413973.1, NM_001413974.1); c.1068dup, p.Ser357fs (NM_001413977.1); c.315dup, p.Ser106fs (NM_001413981.1); c.213dup, p.Ser72fs (NM_001413982.1); and 1 more; short protein forms S446fs, S106fs, S335fs, S357fs, S401fs, S435fs, S390fs, S61fs.
Identifiers: ClinVar variation 3708535 (VCV003708535.2).
Genomic context (GRCh38, chr12:57,627,834, plus strand): 5'-CGAGGCCTGGGGCGCCGGGCTCCACGCTCAGCAGCTGCCGATAAGTGGTGGCAAAGCCGG[A>AG]GATCTCGCGCACCGCGCCCCCCACCTGCAGGGAGAGGGAGGTTGCCTCCAGGCGGGCCTG-3'